The following is an entry in ClinVar:

ClinVar aggregate classification (germline): Likely pathogenic (1 of 4 stars; one submission).

Conditions:
Tay-Sachs disease (TSD). Also called: HEXA DEFICIENCY; HEXA Disorders; GM2 gangliosidosis, type 1; Hexosaminidase alpha-subunit deficiency (variant B); Sphingolipidosis, Tay-Sachs; Hexosaminidase A Deficiency. Identifiers: Orphanet 845, MedGen C0039373, MONDO:0010100, OMIM 272800.

Submission:

Natera, Inc.
Classification: Likely pathogenic for Tay-Sachs disease. Last evaluated: 2024-03-25. Review status: criteria provided, single submitter. Criteria: Natera Variant Classification Schema (03/2026). Collection method: clinical testing. Allele origin: germline.
Comment: The c.511_515delGGCTTinsAAA variant in HEXA is a frameshift variant predicted to shift the reading frame beginning at codon 171 and leads to a stop codon 14 codons downstream. This variant is expected to result in nonsense mediated decay, truncation, or a dysfunctional protein product. This variant is rare in the general population with a frequency below the threshold expected for the associated phenotype(s). Given the available evidence, this variant is classified as Likely Pathogenic.

NM_000520.6(HEXA):c.511_515delinsAAA (p.Gly171fs)

Gene: HEXA (hexosaminidase subunit alpha; minus strand). Cytogenetic location: 15q23.
Variant type: Indel.
Coding change: c.511_515delinsAAA on transcript NM_000520.6 (MANE Select); coding-DNA positions 511 to 515, GGCTT replaced by AAA.
Protein change: p.Gly171fs; shifts the reading frame from glycine 171.
Molecular consequence: frameshift variant. On other transcripts: non-coding transcript variant (1).
Genome position (GRCh38, 1-based): chr15:72,353,123-72,353,127, AAGCC replaced by TTT on the plus strand (GGCTT replaced by AAA on the coding strand, the reverse complement: HEXA is on the minus strand). VCF-style: chr15-72353123-AAGCC-TTT. GRCh37 (hg19) VCF-style: chr15-72645464-AAGCC-TTT.
Other names: c.544_548delinsAAA, p.Gly182fs (NM_001318825.2); short protein forms G171fs, G182fs.
Identifiers: ClinVar variation 4814262 (VCV004814262.1).
Genomic context (GRCh38, chr15:72,353,123, plus strand): 5'-GTTACCAGAGTGTCCAGGATGCTAGAGAGTGGCAGGTAATGGCGAGATGTATCCAACAGC[AAGCC>TTT]CCGGTGAGGAAAGCGGGGAAAGTCCTCAATCTCAGTCTTGTTGATAAAGAACTGTGCAGA-3'